The following is an entry in ClinVar:

ClinVar aggregate classification (germline): Benign/Likely benign. Review status: criteria provided, multiple submitters, no conflicts (2 of 4 stars). 7 submissions from 7 submitters: Benign (1); Likely benign (6). Last evaluated 2026-01-18.

Conditions:
Familial melanoma. Also called: Hereditary melanoma; Hereditary cutaneous melanoma. Identifiers: Orphanet 618, MedGen C1512419, MONDO:0018961.
Melanoma-pancreatic cancer syndrome. Identifiers: Orphanet 404560, MedGen C1838547, MONDO:0011713, OMIM 606719. Disease mechanism: loss of function.
Hereditary cancer-predisposing syndrome. Also called: Neoplastic Syndromes, Hereditary; Hereditary Cancer Syndrome; Tumor predisposition; Hereditary neoplastic syndrome. Identifiers: Orphanet 140162, MedGen C0027672, MeSH D009386, MONDO:0015356.

Allele frequency attached by ClinVar (database versions not stated): gnomAD exomes 0.00002; ExAC 0.00003; gnomAD 0.00009; TOPMed 0.00015; 1000 Genomes Project 0.00040; 1000 Genomes Project 30x 0.00047.
gnomAD v4.1: 20 of 1,612,530 alleles (0.0012%); highest among the groups gnomAD compares: African/African-American, 0.015%; no homozygotes.

Submissions (7):

Labcorp Genetics (formerly Invitae), Labcorp
Classification: Likely benign for Familial melanoma. Last evaluated: 2026-01-18. Review status: criteria provided, single submitter. Criteria: Invitae Variant Classification Sherloc (09022015). Collection method: clinical testing. Allele origin: germline.

Myriad Genetics, Inc.
Classification: Benign for Melanoma-pancreatic cancer syndrome. Last evaluated: 2025-08-13. Review status: criteria provided, single submitter. Criteria: Myriad Autosomal Dominant, Autosomal Recessive and X-Linked Classification Criteria (2023). Collection method: clinical testing. Allele origin: unknown.
Comment: This variant is considered benign. This variant is a silent/synonymous amino acid change and it is not expected to impact splicing.

Quest Diagnostics Nichols Institute San Juan Capistrano
Classification: Likely benign. Last evaluated: 2025-05-27. Review status: criteria provided, single submitter. Criteria: Quest Diagnostics criteria. Collection method: clinical testing. Allele origin: unknown.

GeneDx
Classification: Likely benign. Last evaluated: 2020-02-18. Review status: criteria provided, single submitter. Criteria: GeneDx Variant Classification Process June 2021. Collection method: clinical testing. Allele origin: germline. Affected: yes.

Women's Health and Genetics/Laboratory Corporation of America, LabCorp
Classification: Likely benign. Last evaluated: 2019-08-28. Review status: criteria provided, single submitter. Criteria: LabCorp Variant Classification Summary - May 2015. Collection method: clinical testing. Allele origin: germline.

Color Diagnostics, LLC DBA Color Health
Classification: Likely benign for Hereditary cancer-predisposing syndrome. Last evaluated: 2019-01-08. Review status: criteria provided, single submitter. Criteria: ACMG Guidelines, 2015. Collection method: clinical testing. Allele origin: germline.

Ambry Genetics
Classification: Likely benign for Hereditary cancer-predisposing syndrome. Last evaluated: 2015-03-06. Review status: criteria provided, single submitter. Criteria: Ambry Variant Classification Scheme 2023. Collection method: clinical testing. Allele origin: germline.

NM_000077.5(CDKN2A):c.87G>A (p.Arg29=)

Gene: CDKN2A (cyclin dependent kinase inhibitor 2A; minus strand). Cytogenetic location: 9p21.3.
Variant type: single nucleotide variant.
Coding change: c.87G>A on transcript NM_000077.5; coding-DNA position 87, G replaced by A.
Protein change: p.Arg29=; no amino-acid change (arginine 29 retained).
Molecular consequence: synonymous variant (on NM_000077.6). On other transcripts: intron variant (2).
Genome position (GRCh38, 1-based): chr9:21,974,741, C>T on the plus strand (G>A on the coding strand, the complement: CDKN2A is on the minus strand). VCF-style: chr9-21974741-C-T. GRCh37 (hg19) VCF-style: chr9-21974740-C-T.
Other names: c.87G>A, p.Arg29= (NM_000077.6, NM_001195132.2, NM_058197.5); c.-3-3533G>A (NM_001363763.2); c.194-3533G>A (NM_058195.4).
Identifiers: ClinVar variation 230671 (VCV000230671.22), dbSNP rs540871544, ClinGen allele CA5012320.